The following is an entry in ClinVar:

NM_000112.4(SLC26A2):c.1955_1958del (p.Asp652fs)

Gene: SLC26A2 (solute carrier family 26 member 2; plus strand). Cytogenetic location: 5q32.
Variant type: Deletion.
Coding change: c.1955_1958del on transcript NM_000112.4 (MANE Select); coding-DNA positions 1955 to 1958, 4 bases deleted (ACTG; older notation c.1955_1958delACTG).
Protein change: p.Asp652fs; shifts the reading frame from aspartic acid 652.
Molecular consequence: frameshift variant.
Genome position (GRCh38, 1-based): chr5:149,981,548-149,981,551, ACTG deleted; deleting any 4 consecutive bases within chr5:149,981,546-149,981,551 gives the same sequence; the c. name uses the placement nearest the transcript's 3' end. VCF-style (leftmost placement, unchanged base first): chr5-149981545-TTGAC-T. GRCh37 (hg19) VCF-style: chr5-149361108-TTGAC-T.
Other names: c.1955_1958delACTG (NM_000112.4, NM_000112.3); c.1955_1958del (NM_000112.3); short protein forms D652fs.
Identifiers: ClinVar variation 371708 (VCV000371708.13), dbSNP rs1057517474, ClinGen allele CA16041000.

ClinVar aggregate classification (germline): Pathogenic/Likely pathogenic. Review status: criteria provided, multiple submitters, no conflicts (2 of 4 stars). 7 submissions from 4 submitters: Pathogenic (2); Likely pathogenic (1). 4 of the submissions do not count toward it. Last evaluated 2025-10-20.

Conditions:
Osteochondrodysplasia. Identifiers: MedGen C0029422, MONDO:0005516.
Multiple epiphyseal dysplasia type 4 (EDM4). Also called: MULTIPLE EPIPHYSEAL DYSPLASIA WITH BILAYERED PATELLAE; MULTIPLE EPIPHYSEAL DYSPLASIA WITH CLUBFOOT; MULTIPLE EPIPHYSEAL DYSPLASIA, AUTOSOMAL RECESSIVE; Multiple Epiphyseal Dysplasia, Recessive; SLC26A2-Related Multiple Epiphyseal Dysplasia. Identifiers: Orphanet 93307, MedGen C1847593, MONDO:0009189, OMIM 226900.
Diastrophic dysplasia (DTD). Also called: Diastrophic dwarfism. Identifiers: Orphanet 628, MedGen C0220726, MONDO:0009107, OMIM 222600.
Achondrogenesis, type IB (ACG1B). Also called: Achondrogenesis Type 1B. Identifiers: Orphanet 932, Orphanet 93298, MedGen C0265274, MONDO:0010966, OMIM 600972.
Atelosteogenesis type II (AO2). Also called: NEONATAL OSSEOUS DYSPLASIA I; Neonatal osseous dysplasia 1; SLC26A2-Related Atelosteogenesis. Identifiers: Orphanet 56304, MedGen C1850554, MONDO:0009727, OMIM 256050.

Submissions (7):

Women's Health and Genetics/Laboratory Corporation of America, LabCorp
Classification: Pathogenic for Osteochondrodysplasia. Last evaluated: 2025-10-20. Review status: criteria provided, single submitter. Criteria: LabCorp Variant Classification Summary - May 2015. Collection method: clinical testing. Allele origin: germline.
Comment: Variant summary: SLC26A2 c.1955_1958delACTG (p.Asp652AlafsX7) results in a premature termination codon, predicted to cause a truncation of the encoded protein or absence of the protein, which are commonly known mechanisms for disease. Variant downstream of this position has been determined to be pathogenic (c.2097T>A, p.Tyr699Ter). The variant was absent in 251296 control chromosomes. To our knowledge, no occurrence of c.1955_1958delACTG in individuals affected with SLC26A2-related conditions and no experimental evidence demonstrating its impact on protein function have been reported. ClinVar contains an entry for this variant (Variation ID: 371708). Based on the evidence outlined above, the variant was classified as pathogenic.

Natera, Inc.
Classification: Likely pathogenic for Achondrogenesis type IB. Last evaluated: 2024-09-16. Review status: criteria provided, single submitter. Criteria: Natera Variant Classification Schema (03/2026). Collection method: clinical testing. Allele origin: germline.
Comment: The c.1955_1958del variant in SLC26A2 is a frameshift variant predicted to shift the reading frame beginning at codon 652 and leads to a stop codon 7 codons downstream. This variant is expected to result in nonsense mediated decay, truncation, or a dysfunctional protein product. This variant is rare in the general population with a frequency below the threshold expected for the associated phenotype(s). Given the available evidence, this variant is classified as Likely Pathogenic.

Labcorp Genetics (formerly Invitae), Labcorp
Classification: Pathogenic for Atelosteogenesis type II; Multiple epiphyseal dysplasia type 4; Achondrogenesis, type IB; Diastrophic dysplasia. Last evaluated: 2020-12-02. Review status: criteria provided, single submitter. Criteria: Invitae Variant Classification Sherloc (09022015). Collection method: clinical testing. Allele origin: germline.
Comment: This sequence change creates a premature translational stop signal (p.Asp652Alafs*7) in the SLC26A2 gene. While this is not anticipated to result in nonsense mediated decay, it is expected to disrupt the last 88 amino acid(s) of the SLC26A2 protein. This variant is not present in population databases (ExAC no frequency). This variant has not been reported in the literature in individuals with SLC26A2-related conditions. ClinVar contains an entry for this variant (Variation ID: 371708). This variant disrupts the C-terminus of the SLC26A2 protein. Other variant(s) that disrupt this region (p.Asp673Leufs*2) have been determined to be pathogenic (Invitae). This suggests that variants that disrupt this region of the protein are likely to be causative of disease. For these reasons, this variant has been classified as Pathogenic.

Counsyl
Classification: Likely pathogenic for Diastrophic dysplasia. Last evaluated: 2016-02-16. Review status: no assertion criteria provided. Collection method: clinical testing. Allele origin: unknown. Not counted in ClinVar's aggregate classification.

Counsyl
Classification: Likely pathogenic for Multiple epiphyseal dysplasia type 4. Last evaluated: 2016-02-16. Review status: no assertion criteria provided. Collection method: clinical testing. Allele origin: unknown. Not counted in ClinVar's aggregate classification.

Counsyl
Classification: Likely pathogenic for Atelosteogenesis type II. Last evaluated: 2016-02-16. Review status: no assertion criteria provided. Collection method: clinical testing. Allele origin: unknown. Not counted in ClinVar's aggregate classification.

Counsyl
Classification: Likely pathogenic for Achondrogenesis, type IB. Last evaluated: 2016-02-16. Review status: no assertion criteria provided. Collection method: clinical testing. Allele origin: unknown. Not counted in ClinVar's aggregate classification.